The following is an entry in ClinVar:

ClinVar aggregate classification (germline): Likely benign (0 of 4 stars; one submission).

Conditions:
SHROOM3-related disorder. Also called: SHROOM3-related condition.

Allele frequency attached by ClinVar (database versions not stated): gnomAD exomes 0.00002; ExAC 0.00005; ESP Exome Variant Server 0.00016; gnomAD 0.00017; TOPMed 0.00017; 1000 Genomes Project 0.00020; 1000 Genomes Project 30x 0.00062.
gnomAD v4.1: 54 of 1,612,456 alleles (0.0033%); highest among the groups gnomAD compares: African/African-American, 0.049%; no homozygotes.

Submission:

PreventionGenetics, part of Exact Sciences
Classification: Likely benign for SHROOM3-related condition. Last evaluated: 2019-06-21. Review status: no assertion criteria provided. Collection method: clinical testing. Allele origin: germline.
Comment: This variant is classified as likely benign based on ACMG/AMP sequence variant interpretation guidelines (Richards et al. 2015 PMID: 25741868, with internal and published modifications).

NM_020859.4(SHROOM3):c.2262C>T (p.Ser754=)

Genes: SHROOM3 (shroom family member 3; plus strand), SHROOM3-AS1 (SHROOM3 antisense RNA 1; minus strand). Cytogenetic location: 4q21.1.
Variant type: single nucleotide variant.
Coding change: c.2262C>T on transcript NM_020859.4 (MANE Select); coding-DNA position 2262, C replaced by T.
Protein change: p.Ser754=; no amino-acid change (serine 754 retained).
Molecular consequence: synonymous variant.
Genome position (GRCh38, 1-based): chr4:76,740,435, C>T. VCF-style: chr4-76740435-C-T. GRCh37 (hg19) VCF-style: chr4-77661588-C-T.
Identifiers: ClinVar variation 3042762 (VCV003042762.2), dbSNP rs370061468, ClinGen allele CA2972526.